The following is an entry in ClinVar:

ClinVar aggregate classification (germline): Conflicting classifications of pathogenicity. Review status: criteria provided, conflicting classifications (1 of 4 stars). 7 submissions from 7 submitters: Pathogenic (1); Likely pathogenic (4); Uncertain significance (2). Last evaluated 2026-04-28.

Conditions:
Autosomal dominant nonsyndromic hearing loss 6 (LFSNHL). Also called: DEAFNESS, AUTOSOMAL DOMINANT 6; Autosomal dominant nonsyndromic deafness 6; DEAFNESS, AUTOSOMAL DOMINANT 14; DEAFNESS, AUTOSOMAL DOMINANT 38. Identifiers: Orphanet 90635, MedGen C1833021, MONDO:0010963, OMIM 600965.
Type 2 diabetes mellitus. Also called: Type II diabetes mellitus. Identifiers: MedGen C0011860, MeSH D003924, MONDO:0005148, OMIM 125853, HP:0005978.
Wolfram-like syndrome. Also called: HEARING LOSS, PROGRESSIVE, WITH OPTIC ATROPHY AND/OR IMPAIRED GLUCOSE REGULATION. Identifiers: Orphanet 411590, MedGen C3280358, MONDO:0013673, OMIM 614296.
Cataract 41 (CTRCT41). Also called: CATARACT 41, CONGENITAL NUCLEAR TYPE. Identifiers: Orphanet 91492, Orphanet 98991, Orphanet 98992, Orphanet 98995, MedGen C3805412, MONDO:0007287, OMIM 116400.
Wolfram syndrome 1 (WFS1). Identifiers: Orphanet 3463, MedGen C4551693, MONDO:0009101, OMIM 222300.
WFS1-related disorder. Identifiers: MedGen CN379391, MONDO:0700293.

Allele frequency attached by ClinVar (database versions not stated): gnomAD 0.00001; gnomAD exomes 0.00001 and 0.00003; TOPMed 0.00001; ESP Exome Variant Server 0.00008.
gnomAD v4.1: 40 of 1,592,238 alleles (0.0025%); highest among the groups gnomAD compares: Non-Finnish European, 0.0033%; no homozygotes.

Submissions (7):

Wales Gene Park, Division Of Cancer and Genetics, Cardiff University
Classification: Likely pathogenic for Wolfram syndrome 1. Last evaluated: 2026-04-28. Review status: criteria provided, single submitter. Criteria: ACGS Best Practice Guidelines for Variant Classification in Rare Disease 2024. Collection method: research. Allele origin: inherited. Inheritance: Autosomal recessive inheritance. Study: 100,000 Genomes Project (Wales).
Comment: Inherited WFS1 missense variant detected by trio genome sequencing. Low frequency in gnomAD (v4.1.1). REVEL score 0.814. Found in trans to other pathogenic variants in affected individuals in the literature. Evidence codes: PM2, PM3_strong, PP3.

Labcorp Genetics (formerly Invitae), Labcorp
Classification: Pathogenic. Last evaluated: 2025-11-05. Review status: criteria provided, single submitter. Criteria: Invitae Variant Classification Sherloc (09022015). Collection method: clinical testing. Allele origin: germline.
Comment: This sequence change replaces alanine, which is neutral and non-polar, with threonine, which is neutral and polar, at codon 133 of the WFS1 protein (p.Ala133Thr). The frequency data for this variant in the population databases is considered unreliable, as metrics indicate poor data quality at this position in the gnomAD database. This missense change has been observed in individual(s) with autosomal recessive Wolfram syndrome (PMID: 15605410, 16151413). In at least one individual the data is consistent with being in trans (on the opposite chromosome) from a pathogenic variant. ClinVar contains an entry for this variant (Variation ID: 1331467). Invitae Evidence Modeling of protein sequence and biophysical properties (such as structural, functional, and spatial information, amino acid conservation, physicochemical variation, residue mobility, and thermodynamic stability) indicates that this missense variant is not expected to disrupt WFS1 protein function with a negative predictive value of 95%. For these reasons, this variant has been classified as Pathogenic.

Blueprint Genetics
Classification: Likely pathogenic for WFS1-related disorders. Last evaluated: 2024-07-24. Review status: criteria provided, single submitter. Criteria: ACMG Guidelines, 2015. Collection method: clinical testing. Allele origin: germline. Affected: yes. Observed: 5 variant alleles.

Fulgent Genetics
Classification: Likely pathogenic for Cataract 41; Type 2 diabetes mellitus; Wolfram syndrome 1; Autosomal dominant nonsyndromic hearing loss 6; Wolfram-like syndrome. Last evaluated: 2024-04-03. Review status: criteria provided, single submitter. Criteria: ACMG Guidelines, 2015. Collection method: clinical testing. Allele origin: germline.

GeneDx
Classification: Uncertain significance. Last evaluated: 2023-08-09. Review status: criteria provided, single submitter. Criteria: GeneDx Variant Classification Process June 2021. Collection method: clinical testing. Allele origin: germline. Affected: yes.
Comment: In silico analysis supports that this missense variant has a deleterious effect on protein structure/function; This variant is associated with the following publications: (PMID: 11317350, 15852062, 19292454, 20972738, 16151413, 15605410, 33980734, 22790102)

Women's Health and Genetics/Laboratory Corporation of America, LabCorp
Classification: Likely pathogenic for Wolfram syndrome 1. Last evaluated: 2021-12-21. Review status: criteria provided, single submitter. Criteria: LabCorp Variant Classification Summary - May 2015. Collection method: clinical testing. Allele origin: germline.
Comment: Variant summary: WFS1 c.397G>A (p.Ala133Thr) results in a non-conservative amino acid change located in the Wolframin, Sel1-like repeat (IPR045458) of the encoded protein sequence. Five of five in-silico tools predict a damaging effect of the variant on protein function. The variant allele was found at a frequency of 1.4e-05 in 206924 control chromosomes (gnomAD). c.397G>A has been reported in the literature in multiple compound heterozygous individuals affected with Wolfram Syndrome 1 (example: Giuliano_2005, Hansen_2005, Swift_2005). These data indicate that the variant is likely to be associated with disease. To our knowledge, no experimental evidence demonstrating an impact on protein function has been reported. No ClinVar submitters have assessed the variant since 2014. Based on the evidence outlined above, the variant was classified as likely pathogenic.

Greenwood Genetic Center Diagnostic Laboratories, Greenwood Genetic Center
Classification: Uncertain significance. Last evaluated: 2021-11-05. Review status: criteria provided, single submitter. Criteria: ACMG Guidelines, 2015. Collection method: clinical testing. Allele origin: germline. Affected: yes.
Comment: PP3, PM2

Literature cited by the submitters: PubMed 15605410 (cited by 3 submitters); PubMed 16151413 (cited by 3 submitters); PubMed 11317350 (cited by Women's Health and Genetics/Laboratory Corporation of America, LabCorp); PubMed 15852062 (cited by Women's Health and Genetics/Laboratory Corporation of America, LabCorp).

NM_006005.3(WFS1):c.397G>A (p.Ala133Thr)

Gene: WFS1 (wolframin ER transmembrane glycoprotein; plus strand). Cytogenetic location: 4p16.1.
Variant type: single nucleotide variant.
Coding change: c.397G>A on transcript NM_006005.3 (MANE Select); coding-DNA position 397, G replaced by A.
Protein change: p.Ala133Thr; replaces alanine 133 with threonine.
Molecular consequence: missense variant.
Genome position (GRCh38, 1-based): chr4:6,289,068, G>A. VCF-style: chr4-6289068-G-A. GRCh37 (hg19) VCF-style: chr4-6290795-G-A.
Other names: c.397G>A, p.Ala133Thr (NM_001145853.1); short protein forms A133T.
Identifiers: ClinVar variation 1331467 (VCV001331467.14), dbSNP rs372249044, ClinGen allele CA91794311.
Genomic context (GRCh38, chr4:6,289,068, plus strand): 5'-TTGGCCGGCGACACGGATGAAGAACTCAACAGCTGCACCGCTGTGGACTGGCTGGTCCTC[G>A]CCGCGAAGCAGGGCCGTCGCGAGGCTGTGAAGCTGCTTCGCCGGTGCTTGGCGGACAGAA-3'
Protein context (NP_005996.2, residues 123-143): SCTAVDWLVL[Ala133Thr]AKQGRREAVK